The following is an entry in ClinVar:

NM_004444.5(EPHB4):c.2665C>T (p.Arg889Trp)

Genes: EPHB4 (EPH receptor B4; minus strand), LOC126860124 (CDK7 strongly-dependent group 2 enhancer GRCh37_chr7:100403701-100404900; plus strand). Cytogenetic location: 7q22.1.
Variant type: single nucleotide variant.
Coding change: c.2665C>T on transcript NM_004444.5 (MANE Select); coding-DNA position 2665, C replaced by T.
Protein change: p.Arg889Trp; replaces arginine 889 with tryptophan.
Molecular consequence: missense variant.
Genome position (GRCh38, 1-based): chr7:100,805,514, G>A on the plus strand (C>T on the coding strand, the complement: EPHB4 is on the minus strand). VCF-style: chr7-100805514-G-A. GRCh37 (hg19) VCF-style: chr7-100403136-G-A.
Other names: short protein forms R889W.
Identifiers: ClinVar variation 1307567 (VCV001307567.2), dbSNP rs762016655, ClinGen allele CA4392586.

ClinVar aggregate classification (germline): Uncertain significance (1 of 4 stars; one submission).

Allele frequency attached by ClinVar (database versions not stated): TOPMed 0.00001; ExAC 0.00002; gnomAD 0.00002.

Submission:

GeneDx
Classification: Uncertain significance. Last evaluated: 2019-08-11. Review status: criteria provided, single submitter. Criteria: GeneDx Variant Classification Process June 2021. Collection method: clinical testing. Allele origin: germline. Affected: yes.
Comment: In silico analysis, which includes protein predictors and evolutionary conservation, supports that this variant does not alter protein structure/function; Has not been previously published as a pathogenic or benign germline variant to our knowledge; This variant is associated with the following publications: (PMID: 17344846)